The following is an entry in ClinVar:

NC_000014.8:g.(?_20915399)_(22005055_?)del

Genes: OR6S1 (olfactory receptor family 6 subfamily S member 1; minus strand), CHD8 (chromodomain helicase DNA binding protein 8; minus strand), RNASE11 (ribonuclease A family member 11 (inactive); minus strand), TOX4 (TOX high mobility group box family member 4; plus strand), EDDM3B (epididymal protein 3B; plus strand) and 35 more. Cytogenetic location: 14q11.2.
Variant type: Deletion.
Identifiers: ClinVar variation 2422759 (VCV002422759.2).

ClinVar aggregate classification (germline): Pathogenic (1 of 4 stars; one submission).

Conditions:
Purine-nucleoside phosphorylase deficiency. Also called: NUCLEOSIDE PHOSPHORYLASE DEFICIENCY; Immunodeficiency due to purine nucleoside phosphorylase deficiency. Identifiers: Orphanet 760, MedGen C0268125, MONDO:0013171, OMIM 613179.

Submission:

Labcorp Genetics (formerly Invitae), Labcorp
Classification: Pathogenic for Purine-nucleoside phosphorylase deficiency. Last evaluated: 2022-07-15. Review status: criteria provided, single submitter. Criteria: Invitae Variant Classification Sherloc (09022015). Collection method: clinical testing. Allele origin: germline.
Comment: A gross deletion of the genomic region encompassing the full coding sequence of the PNP gene has been identified. Loss-of-function variants in PNP are known to be pathogenic (PMID: 24767876). The boundaries of this event are unknown as they extend beyond the assayed region for this gene and therefore may encompass additional genes. This variant has not been reported in the literature in individuals affected with PNP-related conditions. For these reasons, this variant has been classified as Pathogenic.

Literature cited by the submitters: PubMed 24767876.